The following is an entry in ClinVar:

ClinVar aggregate classification (germline): Uncertain significance (1 of 4 stars; one submission).

Conditions:
Ichthyosis linearis circumflexa. Identifiers: MedGen C0265962, MONDO:0043106, HP:0025810.

Allele frequency attached by ClinVar (database versions not stated): gnomAD exomes below 0.00001 and 0.00001; ExAC 0.00002.
gnomAD v4.1: 1 of 1,612,810 alleles (0.000062%); highest among the groups gnomAD compares: East Asian, 0.0022%; no homozygotes.

Submission:

Labcorp Genetics (formerly Invitae), Labcorp
Classification: Uncertain significance for Ichthyosis linearis circumflexa. Last evaluated: 2022-03-19. Review status: criteria provided, single submitter. Criteria: Invitae Variant Classification Sherloc (09022015). Collection method: clinical testing. Allele origin: germline.
Comment: In summary, the available evidence is currently insufficient to determine the role of this variant in disease. Therefore, it has been classified as a Variant of Uncertain Significance. Algorithms developed to predict the effect of missense changes on protein structure and function output the following: SIFT: "Tolerated"; PolyPhen-2: "Benign"; Align-GVGD: "Class C0". The threonine amino acid residue is found in multiple mammalian species, which suggests that this missense change does not adversely affect protein function. ClinVar contains an entry for this variant (Variation ID: 1039896). This variant has not been reported in the literature in individuals affected with SPINK5-related conditions. This variant is present in population databases (rs746648914, gnomAD 0.01%). This sequence change replaces lysine, which is basic and polar, with threonine, which is neutral and polar, at codon 41 of the SPINK5 protein (p.Lys41Thr).

NM_006846.4(SPINK5):c.122A>C (p.Lys41Thr)

Gene: SPINK5 (serine peptidase inhibitor Kazal type 5; plus strand). Cytogenetic location: 5q32.
Variant type: single nucleotide variant.
Coding change: c.122A>C on transcript NM_006846.4 (MANE Select); coding-DNA position 122, A replaced by C.
Protein change: p.Lys41Thr; replaces lysine 41 with threonine.
Molecular consequence: missense variant.
Genome position (GRCh38, 1-based): chr5:148,070,363, A>C. VCF-style: chr5-148070363-A-C. GRCh37 (hg19) VCF-style: chr5-147449926-A-C.
Other names: c.122A>C, p.Lys41Thr (NM_001127698.2, NM_001127699.2); short protein forms K41T.
Identifiers: ClinVar variation 1039896 (VCV001039896.7), dbSNP rs746648914, ClinGen allele CA3495115.